The following is an entry in ClinVar:

ClinVar aggregate classification (germline): Likely benign. Review status: criteria provided, multiple submitters, no conflicts (2 of 4 stars). 7 submissions from 7 submitters: Likely benign (4). 3 of the submissions do not count toward it. Last evaluated 2026-01-27.

Conditions:
PCDH15-related disorder. Also called: PCDH15-related condition; PCDH15-related disorders.

Allele frequency attached by ClinVar (database versions not stated): 1000 Genomes Project 0.00020; gnomAD exomes 0.00006 and 0.00011; gnomAD 0.00008; 1000 Genomes Project 30x 0.00031; ExAC 0.00007; TOPMed 0.00008; ESP Exome Variant Server 0.00015.
gnomAD v4.1: 169 of 1,604,472 alleles (0.011%); highest among the groups gnomAD compares: Non-Finnish European, 0.014%; no homozygotes.

Submissions (7):

Labcorp Genetics (formerly Invitae), Labcorp
Classification: Likely benign. Last evaluated: 2026-01-27. Review status: criteria provided, single submitter. Criteria: Invitae Variant Classification Sherloc (09022015). Collection method: clinical testing. Allele origin: germline.

Blueprint Genetics
Classification: Likely benign. Last evaluated: 2024-07-30. Review status: criteria provided, single submitter. Criteria: ACMG Guidelines, 2015. Collection method: clinical testing. Allele origin: germline.

GeneDx
Classification: Likely benign. Last evaluated: 2021-03-10. Review status: criteria provided, single submitter. Criteria: GeneDx Variant Classification Process June 2021. Collection method: clinical testing. Allele origin: germline. Affected: yes.

Laboratory for Molecular Medicine, Mass General Brigham Personalized Medicine
Classification: Likely benign. Last evaluated: 2016-11-15. Review status: criteria provided, single submitter. Criteria: LMM Criteria. Collection method: clinical testing. Allele origin: germline. Observed: 1 variant allele.
Comment: c.92-10C>T in intron 2 of PCDH15: This variant is not expected to have clinical significance because a C>T change at this position does not diverge from the spl ice consensus sequence and is therefore unlikely to impact splicing. It has been identified in 8/66556 European chromosomes by the Exome Aggregation Consortium (ExAC; dbSNP rs202223952).

PreventionGenetics, part of Exact Sciences
Classification: Likely benign for PCDH15-related condition. Last evaluated: 2019-07-31. Review status: no assertion criteria provided. Collection method: clinical testing. Allele origin: germline. Not counted in ClinVar's aggregate classification.
Comment: This variant is classified as likely benign based on ACMG/AMP sequence variant interpretation guidelines (Richards et al. 2015 PMID: 25741868, with internal and published modifications).

Clinical Genetics DNA and cytogenetics Diagnostics Lab, Erasmus MC, Erasmus Medical Center
Classification: Likely benign. Review status: no assertion criteria provided. Collection method: clinical testing. Allele origin: germline. Affected: yes. Study: VKGL Data-share Consensus. Not counted in ClinVar's aggregate classification.

Clinical Genetics, Academic Medical Center
Classification: Benign. Review status: no assertion criteria provided. Collection method: clinical testing. Allele origin: germline. Affected: yes. Study: VKGL Data-share Consensus. Not counted in ClinVar's aggregate classification.

NM_001384140.1(PCDH15):c.92-10C>T

Genes: PCDH15 (protocadherin related 15; minus strand), LOC105378311 (uncharacterized LOC105378311; plus strand). Cytogenetic location: 10q21.1.
Variant type: single nucleotide variant.
Coding change: c.92-10C>T on transcript NM_001384140.1 (MANE Select); 10 bases into the intron before coding-DNA position 92, C replaced by T.
Molecular consequence: intron variant.
Genome position (GRCh38, 1-based): chr10:54,527,887, G>A on the plus strand (C>T on the coding strand, the complement: PCDH15 is on the minus strand). VCF-style: chr10-54527887-G-A. GRCh37 (hg19) VCF-style: chr10-56287647-G-A.
Other names: c.92-10C>T (NM_001354420.2, NM_001354429.2, NM_001142772.2 and 8 more transcripts); c.107-10C>T (NM_001142771.2, NM_001142769.3, NM_001142763.2); c.91+136285C>T (NM_001354404.2, NM_001142773.2, NM_001142768.2).
Identifiers: ClinVar variation 504670 (VCV000504670.23), dbSNP rs202223952, ClinGen allele CA5506799.
Genomic context (GRCh38, chr10:54,527,887, plus strand): 5'-CATCAATAGCAACTATGGTAGCTGGTGGTCCTCCCCTAGCTAGTTTGCAATCTAAAGAGA[G>A]AAAATAACCAAAAGTAATAATTGACTGCAGGGGCACACACAATGAGAAAAAAATTCATTG-3'